The following is an entry in ClinVar:

ClinVar aggregate classification (germline): Uncertain significance (1 of 4 stars; one submission).

Allele frequency attached by ClinVar (database versions not stated): ExAC 0.00001; gnomAD 0.00004; TOPMed 0.00006.
gnomAD v4.1: 9 of 1,614,004 alleles (0.00056%); highest among the groups gnomAD compares: African/African-American, 0.0093%; no homozygotes.

Submission:

Labcorp Genetics (formerly Invitae), Labcorp
Classification: Uncertain significance. Last evaluated: 2022-08-09. Review status: criteria provided, single submitter. Criteria: Invitae Variant Classification Sherloc (09022015). Collection method: clinical testing. Allele origin: germline.
Comment: In summary, the available evidence is currently insufficient to determine the role of this variant in disease. Therefore, it has been classified as a Variant of Uncertain Significance. Algorithms developed to predict the effect of missense changes on protein structure and function output the following: SIFT: "Tolerated"; PolyPhen-2: "Benign"; Align-GVGD: "Class C0". The leucine amino acid residue is found in multiple mammalian species, which suggests that this missense change does not adversely affect protein function. This variant has not been reported in the literature in individuals affected with C2CD3-related conditions. The frequency data for this variant in the population databases is considered unreliable, as metrics indicate poor data quality at this position in the gnomAD database. This sequence change replaces serine, which is neutral and polar, with leucine, which is neutral and non-polar, at codon 1548 of the C2CD3 protein (p.Ser1548Leu).

NM_001286577.2(C2CD3):c.4643C>T (p.Ser1548Leu)

Gene: C2CD3 (C2 domain containing 3 centriole elongation regulator; minus strand). Cytogenetic location: 11q13.4.
Variant type: single nucleotide variant.
Coding change: c.4643C>T on transcript NM_001286577.2 (MANE Select); coding-DNA position 4643, C replaced by T.
Protein change: p.Ser1548Leu; replaces serine 1548 with leucine.
Molecular consequence: missense variant.
Genome position (GRCh38, 1-based): chr11:74,074,561, G>A on the plus strand (C>T on the coding strand, the complement: C2CD3 is on the minus strand). VCF-style: chr11-74074561-G-A. GRCh37 (hg19) VCF-style: chr11-73785606-G-A.
Other names: c.4643C>T, p.Ser1548Leu (NM_015531.6); short protein forms S1548L.
Identifiers: ClinVar variation 1981304 (VCV001981304.2), dbSNP rs770247152, ClinGen allele CA6182094.